The following is an entry in ClinVar:

ClinVar aggregate classification (germline): Uncertain significance (1 of 4 stars; one submission).

Submission:

GeneDx
Classification: Uncertain significance. Last evaluated: 2025-07-11. Review status: criteria provided, single submitter. Criteria: GeneDx Variant Classification Process June 2021. Collection method: clinical testing. Allele origin: germline. Affected: yes.
Comment: Not observed at significant frequency in large population cohorts (gnomAD); In silico analysis suggests that this missense variant does not alter protein structure/function; Has not been previously published as pathogenic or benign to our knowledge

NM_001190737.2(NFIB):c.1094C>G (p.Pro365Arg)

Gene: NFIB (nuclear factor I B; minus strand). Cytogenetic location: 9p23.
Variant type: single nucleotide variant.
Coding change: c.1094C>G on transcript NM_001190737.2 (MANE Select); coding-DNA position 1094, C replaced by G.
Protein change: p.Pro365Arg; replaces proline 365 with arginine.
Molecular consequence: missense variant. On other transcripts: non-coding transcript variant (4).
Genome position (GRCh38, 1-based): chr9:14,120,591, G>C on the plus strand (C>G on the coding strand, the complement: NFIB is on the minus strand). VCF-style: chr9-14120591-G-C. GRCh37 (hg19) VCF-style: chr9-14120590-G-C.
Other names: c.1160C>G, p.Pro387Arg (NM_001369468.1, NM_001369458.1, NM_001369459.1 and 1 more transcripts); c.950C>G, p.Pro317Arg (NM_001369469.1); c.857C>G, p.Pro286Arg (NM_001369470.1, NM_001369478.1); c.1091C>G, p.Pro364Arg (NM_001369471.1); c.1082C>G, p.Pro361Arg (NM_001369472.1, NM_001369460.1, NM_001369463.1 and 1 more transcripts); c.1079C>G, p.Pro360Arg (NM_001369473.1); c.1076C>G, p.Pro359Arg (NM_001369474.1); c.869C>G, p.Pro290Arg (NM_001369475.1); and 6 more; short protein forms P113R, P186R, P286R, P290R, P317R, P346R, P356R, P359R.
Identifiers: ClinVar variation 4685012 (VCV004685012.1).